The following is an entry in ClinVar:

NM_000059.4(BRCA2):c.8369C>A (p.Thr2790Asn)

Gene: BRCA2 (BRCA2 DNA repair associated; plus strand). Cytogenetic location: 13q13.1.
Variant type: single nucleotide variant.
Coding change: c.8369C>A on transcript NM_000059.4 (MANE Select); coding-DNA position 8369, C replaced by A.
Protein change: p.Thr2790Asn; replaces threonine 2790 with asparagine.
Molecular consequence: missense variant.
Genome position (GRCh38, 1-based): chr13:32,370,439, C>A. VCF-style: chr13-32370439-C-A. GRCh37 (hg19) VCF-style: chr13-32944576-C-A.
Other names: c.8273C>A, p.Thr2758Asn (NM_001406719.1); c.8369C>A, p.Thr2790Asn (NM_001406720.1); c.3437C>A, p.Thr1146Asn (NM_001406721.1); c.1952C>A, p.Thr651Asn (NM_001406722.1); short protein forms T1146N, T2758N, T2790N, T651N.
Identifiers: ClinVar variation 1721426 (VCV001721426.6), dbSNP rs2072819580, ClinGen allele CA387752436.

ClinVar aggregate classification (germline): Uncertain significance (1 of 4 stars; one submission).

Conditions:
Hereditary breast ovarian cancer syndrome. Also called: BRCA1- and BRCA2-Associated Hereditary Breast and Ovarian Cancer; Hereditary breast and ovarian cancer syndrome (HBOC); Hereditary breast and/or ovarian cancer syndrome; Hereditary breast and ovarian cancer syndrome; Hereditary breast and ovarian cancer; Breast and ovarian cancer. Identifiers: Orphanet 145, MedGen C0677776, MeSH D061325, MONDO:0003582. Disease mechanism: loss of function.

Submission:

Labcorp Genetics (formerly Invitae), Labcorp
Classification: Uncertain significance for Hereditary breast ovarian cancer syndrome. Last evaluated: 2022-10-12. Review status: criteria provided, single submitter. Criteria: Invitae Variant Classification Sherloc (09022015). Collection method: clinical testing. Allele origin: germline.
Comment: This sequence change replaces threonine, which is neutral and polar, with asparagine, which is neutral and polar, at codon 2790 of the BRCA2 protein (p.Thr2790Asn). This variant is not present in population databases (gnomAD no frequency). This variant has not been reported in the literature in individuals affected with BRCA2-related conditions. Advanced modeling of protein sequence and biophysical properties (such as structural, functional, and spatial information, amino acid conservation, physicochemical variation, residue mobility, and thermodynamic stability) performed at Invitae indicates that this missense variant is not expected to disrupt BRCA2 protein function. In summary, the available evidence is currently insufficient to determine the role of this variant in disease. Therefore, it has been classified as a Variant of Uncertain Significance.